The following is an entry in ClinVar:

NC_000012.12:g.47997708del

Gene: COL2A1 (collagen type II alpha 1 chain; minus strand). Cytogenetic location: 12q13.11.
Variant type: Deletion.
Genome position: GRCh38 VCF-style: chr12-47997705-AC-A. GRCh37 (hg19) VCF-style: chr12-48391488-AC-A.
Identifiers: ClinVar variation 962056 (VCV000962056.9), dbSNP rs1940028721, ClinGen allele CA1139662599.
Genomic context (GRCh38, chr12:47,997,705, plus strand): 5'-AGGGGGGCCAGGATTTCCAGGGGTCCCAGGTTCTCCATCTCTGCCACGAGGTCCAGGGGC[AC>A]CCTTGGCATAAAGAGAAAAAGGCATCAATGGGAAGCAGTGTTTCTCCAAGAGCCATCTGT-3'

ClinVar aggregate classification (germline): Pathogenic (1 of 4 stars; one submission).

Submission:

Labcorp Genetics (formerly Invitae), Labcorp
Classification: Pathogenic. Last evaluated: 2022-10-17. Review status: criteria provided, single submitter. Criteria: Invitae Variant Classification Sherloc (09022015). Collection method: clinical testing. Allele origin: germline.
Comment: For these reasons, this variant has been classified as Pathogenic. ClinVar contains an entry for this variant (Variation ID: 962056). This variant has not been reported in the literature in individuals affected with COL2A1-related conditions. This variant is not present in population databases (gnomAD no frequency). This sequence change creates a premature translational stop signal (p.Gly144Valfs*55) in the COL2A1 gene. It is expected to result in an absent or disrupted protein product. Loss-of-function variants in COL2A1 are known to be pathogenic (PMID: 20179744).

Literature cited by the submitters: PubMed 20179744.